The following is an entry in ClinVar:

NM_000517.6(HBA2):c.311A>G (p.His104Arg)

Genes: HBA2 (hemoglobin subunit alpha 2; plus strand), LOC106804612 (hemoglobin subunit alpha 2 recombination region; plus strand). Cytogenetic location: 16p13.3.
Variant type: single nucleotide variant.
Coding change: c.311A>G on transcript NM_000517.6 (MANE Select); coding-DNA position 311, A replaced by G.
Protein change: p.His104Arg; replaces histidine 104 with arginine.
Molecular consequence: missense variant.
Genome position (GRCh38, 1-based): chr16:173,482, A>G. VCF-style: chr16-173482-A-G. GRCh37 (hg19) VCF-style: chr16-223481-A-G.
Other names: short protein forms H104R.
Identifiers: ClinVar variation 993106 (VCV000993106.2), dbSNP rs63750752, ClinGen allele CA276415287.
Genomic context (GRCh38, chr16:173,482, plus strand): 5'-GCAGGCGGCGGCTGCGGGCCTGGGCCGCACTGACCCTCTTCTCTGCACAGCTCCTAAGCC[A>G]CTGCCTGCTGGTGACCCTGGCCGCCCACCTCCCCGCCGAGTTCACCCCTGCGGTGCACGC-3'
Protein context (NP_000508.1, residues 94-114): VDPVNFKLLS[His104Arg]CLLVTLAAHL

ClinVar aggregate classification (germline): Conflicting classifications of pathogenicity. Review status: criteria provided, conflicting classifications (1 of 4 stars). 2 submissions from 2 submitters: Likely pathogenic (1); Uncertain significance (1). Last evaluated 2025-06-11.

Submissions (2):

Women's Health and Genetics/Laboratory Corporation of America, LabCorp
Classification: Uncertain significance. Last evaluated: 2025-06-11. Review status: criteria provided, single submitter. Criteria: LabCorp Variant Classification Summary - May 2015. Collection method: clinical testing. Allele origin: germline.
Comment: Variant summary: HBA2 c.311A>G (p.His104Arg) results in a non-conservative amino acid change in the encoded protein sequence. Algorithms developed to predict the effect of missense changes on protein structure and function all suggest that this variant is likely to be disruptive. The variant was absent in 248064 control chromosomes (gnomAD). The available data on variant occurrences in the general population are insufficient to allow any conclusion about variant significance. c.311A>G has been observed in at least one individual affected with Alpha Thalassemia (Sciarratta_1984). The report does not provide unequivocal conclusions about association of the variant with Alpha Thalassemia. At least one publication reports experimental evidence that this variant fails to binding to Beta globin and AHSP (e.g. Yu_2009). The following publications have been ascertained in the context of this evaluation (PMID: 6547932, 19349619). ClinVar contains an entry for this variant (Variation ID: 993106). Based on the evidence outlined above, the variant was classified as VUS-possibly pathogenic.

Quest Diagnostics Nichols Institute San Juan Capistrano
Classification: Likely pathogenic. Last evaluated: 2020-06-05. Review status: criteria provided, single submitter. Criteria: Quest Diagnostics criteria. Collection method: clinical testing. Allele origin: unknown.
Comment: Not found in the total gnomAD dataset, and the data is high quality. Found in at least one patient with expected phenotype for this gene. Predicted to have a damaging effect on the protein. Assessment of experimental evidence suggests this variant results in abnormal protein function.

Literature cited by the submitters: PubMed 6547932 (cited by Women's Health and Genetics/Laboratory Corporation of America, LabCorp and Quest Diagnostics Nichols Institute San Juan Capistrano); PubMed 19349619 (cited by Women's Health and Genetics/Laboratory Corporation of America, LabCorp and Quest Diagnostics Nichols Institute San Juan Capistrano).